The following is an entry in ClinVar:

NM_000142.5(FGFR3):c.749C>A (p.Pro250Gln)

Gene: FGFR3 (fibroblast growth factor receptor 3; plus strand). Cytogenetic location: 4p16.3.
Variant type: single nucleotide variant.
Coding change: c.749C>A on transcript NM_000142.5 (MANE Select); coding-DNA position 749, C replaced by A.
Protein change: p.Pro250Gln; replaces proline 250 with glutamine.
Molecular consequence: missense variant. On other transcripts: non-coding transcript variant (1).
Genome position (GRCh38, 1-based): chr4:1,801,844, C>A. VCF-style: chr4-1801844-C-A. GRCh37 (hg19) VCF-style: chr4-1803571-C-A.
Other names: c.749C>A, p.Pro250Gln (NM_001163213.2, NM_001354809.2, NM_001354810.2 and 1 more transcripts); short protein forms P250Q.
Identifiers: ClinVar variation 3343909 (VCV003343909.4).

ClinVar aggregate classification (germline): Uncertain significance. Review status: criteria provided, multiple submitters, no conflicts (2 of 4 stars). 2 submissions from 2 submitters: Uncertain significance (2). Last evaluated 2024-12-07.

gnomAD v4.1: 3 of 1,606,992 alleles (0.00019%); highest among the groups gnomAD compares: Non-Finnish European, 0.00026%; no homozygotes.

Submissions (2):

Labcorp Genetics (formerly Invitae), Labcorp
Classification: Uncertain significance. Last evaluated: 2024-12-07. Review status: criteria provided, single submitter. Criteria: Invitae Variant Classification Sherloc (09022015). Collection method: clinical testing. Allele origin: germline.
Comment: This sequence change replaces proline, which is neutral and non-polar, with glutamine, which is neutral and polar, at codon 250 of the FGFR3 protein (p.Pro250Gln). This variant is not present in population databases (gnomAD no frequency). This variant has not been reported in the literature in individuals affected with FGFR3-related conditions. Invitae Evidence Modeling of protein sequence and biophysical properties (such as structural, functional, and spatial information, amino acid conservation, physicochemical variation, residue mobility, and thermodynamic stability) has been performed for this missense variant. However, the output from this modeling did not meet the statistical confidence thresholds required to predict the impact of this variant on FGFR3 protein function. This variant disrupts the p.Pro250 amino acid residue in FGFR3. Other variant(s) that disrupt this residue have been determined to be pathogenic (PMID: 9042914, 10094188, 10861678, 15915095, 26740388). This suggests that this residue is clinically significant, and that variants that disrupt this residue are likely to be disease-causing. In summary, the available evidence is currently insufficient to determine the role of this variant in disease. Therefore, it has been classified as a Variant of Uncertain Significance.

GeneDx
Classification: Uncertain significance. Last evaluated: 2024-11-22. Review status: criteria provided, single submitter. Criteria: GeneDx Variant Classification Process June 2021. Collection method: clinical testing. Allele origin: germline.
Comment: Not observed at significant frequency in large population cohorts (gnomAD); In silico analysis supports that this missense variant has a deleterious effect on protein structure/function; Has not been previously published as pathogenic or benign to our knowledge; This variant is associated with the following publications: (PMID: 8841188)

Literature cited by the submitters: PubMed 9042914 (cited by Labcorp Genetics (formerly Invitae), Labcorp); PubMed 10094188 (cited by Labcorp Genetics (formerly Invitae), Labcorp); PubMed 10861678 (cited by Labcorp Genetics (formerly Invitae), Labcorp); PubMed 15915095 (cited by Labcorp Genetics (formerly Invitae), Labcorp); PubMed 26740388 (cited by Labcorp Genetics (formerly Invitae), Labcorp).